The following is an entry in ClinVar:

ClinVar aggregate classification (germline): Uncertain significance (1 of 4 stars; one submission).

Submission:

Labcorp Genetics (formerly Invitae), Labcorp
Classification: Uncertain significance. Last evaluated: 2022-05-21. Review status: criteria provided, single submitter. Criteria: Invitae Variant Classification Sherloc (09022015). Collection method: clinical testing. Allele origin: germline.
Comment: This sequence change replaces arginine, which is basic and polar, with tryptophan, which is neutral and slightly polar, at codon 567 of the MARS2 protein (p.Arg567Trp). This variant is not present in population databases (gnomAD no frequency). In summary, the available evidence is currently insufficient to determine the role of this variant in disease. Therefore, it has been classified as a Variant of Uncertain Significance. Algorithms developed to predict the effect of missense changes on protein structure and function are either unavailable or do not agree on the potential impact of this missense change (SIFT: "Deleterious"; PolyPhen-2: "Probably Damaging"; Align-GVGD: "Class C0"). This variant has not been reported in the literature in individuals affected with MARS2-related conditions.

NM_138395.4(MARS2):c.1699A>T (p.Arg567Trp)

Gene: MARS2 (methionyl-tRNA synthetase 2, mitochondrial; plus strand). Cytogenetic location: 2q33.1.
Variant type: single nucleotide variant.
Coding change: c.1699A>T on transcript NM_138395.4 (MANE Select); coding-DNA position 1699, A replaced by T.
Protein change: p.Arg567Trp; replaces arginine 567 with tryptophan.
Molecular consequence: missense variant.
Genome position (GRCh38, 1-based): chr2:197,707,104, A>T. VCF-style: chr2-197707104-A-T. GRCh37 (hg19) VCF-style: chr2-198571828-A-T.
Other names: short protein forms R567W.
Identifiers: ClinVar variation 1997244 (VCV001997244.4), dbSNP rs2468942717, ClinGen allele CA350215629.
Genomic context (GRCh38, chr2:197,707,104, plus strand): 5'-AGTCTTGGAGAGCTCTATTTCTTGCCTCGATTCTATGGACATCCATGCCCTTTTGAAGGG[A>T]GGAGGCTGGGACCTGAAACTGGGCTTTTGTTTCCAAGACTAGACCAGTCCAGGACTTGGC-3'
Protein context (NP_612404.1, residues 557-577): FYGHPCPFEG[Arg567Trp]RLGPETGLLF